The following is an entry in ClinVar:

ClinVar aggregate classification (germline): Uncertain significance (1 of 4 stars; one submission).

Submission:

Ambry Genetics
Classification: Uncertain significance. Last evaluated: 2025-04-05. Review status: criteria provided, single submitter. Criteria: Ambry Variant Classification Scheme 2023. Collection method: clinical testing. Allele origin: germline.
Comment: The p.E961G variant (also known as c.2882A>G), located in coding exon 1 of the MLH3 gene, results from an A to G substitution at nucleotide position 2882. The glutamic acid at codon 961 is replaced by glycine, an amino acid with similar properties. This amino acid position is conserved. In addition, this alteration is predicted to be tolerated by in silico analysis. Since supporting evidence is limited at this time, the clinical significance of this alteration remains unclear.

NM_001040108.2(MLH3):c.2882A>G (p.Glu961Gly)

Gene: MLH3 (mutL homolog 3; minus strand). Cytogenetic location: 14q24.3.
Variant type: single nucleotide variant.
Coding change: c.2882A>G on transcript NM_001040108.2 (MANE Select); coding-DNA position 2882, A replaced by G.
Protein change: p.Glu961Gly; replaces glutamic acid 961 with glycine.
Molecular consequence: missense variant.
Genome position (GRCh38, 1-based): chr14:75,046,774, T>C on the plus strand (A>G on the coding strand, the complement: MLH3 is on the minus strand). VCF-style: chr14-75046774-T-C. GRCh37 (hg19) VCF-style: chr14-75513477-T-C.
Other names: c.2882A>G, p.Glu961Gly (NM_014381.3); short protein forms E961G.
Identifiers: ClinVar variation 1797186 (VCV001797186.4), dbSNP rs2503258733, ClinGen allele CA390437815.